The following is an entry in ClinVar:

ClinVar aggregate classification (germline): Uncertain significance (1 of 4 stars; one submission).

Conditions:
Cardiomyopathy (CMYO). Also called: Cardiomyopathies. Identifiers: Orphanet 167848, MedGen C0878544, MONDO:0004994, HP:0001638. Inheritance: Various modes of inheritance.

gnomAD v4.1: 1 of 1,613,870 alleles (0.000062%); highest among the groups gnomAD compares: Non-Finnish European, 0.000085%; no homozygotes.

Submission:

Color Diagnostics, LLC DBA Color Health
Classification: Uncertain significance for Cardiomyopathy. Last evaluated: 2025-08-04. Review status: criteria provided, single submitter. Criteria: ACMG Guidelines, 2015. Collection method: clinical testing. Allele origin: germline.
Comment: This missense variant replaces methionine with threonine at codon 371 of the LMNA protein. Computational prediction suggests that this variant may have deleterious impact on protein structure and function. To our knowledge, functional studies have not been reported for this variant. This variant has not been reported in individuals affected with LMNA-related disorders in the literature. This variant has not been identified in the general population by the Genome Aggregation Database (gnomAD). The available evidence is insufficient to determine the role of this variant in disease conclusively. Therefore, this variant is classified as a Variant of Uncertain Significance.

NM_170707.4(LMNA):c.1112T>C (p.Met371Thr)

Gene: LMNA (lamin A/C; plus strand). Cytogenetic location: 1q22.
Variant type: single nucleotide variant.
Coding change: c.1112T>C on transcript NM_170707.4 (MANE Select); coding-DNA position 1112, T replaced by C.
Protein change: p.Met371Thr; replaces methionine 371 with threonine.
Molecular consequence: missense variant.
Genome position (GRCh38, 1-based): chr1:156,136,076, T>C. VCF-style: chr1-156136076-T-C. GRCh37 (hg19) VCF-style: chr1-156105867-T-C.
Other names: c.776T>C, p.Met259Thr (NM_001257374.3, NM_001406989.1, NM_001406998.1); c.869T>C, p.Met290Thr (NM_001282624.2, NM_001406986.1, NM_001406987.1); c.1112T>C, p.Met371Thr (NM_001282625.2, NM_001282626.2, NM_001406983.1 and 6 more transcripts); c.815T>C, p.Met272Thr (NM_001406988.1); c.554T>C, p.Met185Thr (NM_001406990.1, NM_001406993.1, NM_001406995.1 and 4 more transcripts); c.488T>C, p.Met163Thr (NM_001406994.1, NM_001406999.1, NM_001407000.1 and 1 more transcripts); short protein forms M163T, M185T, M259T, M272T, M290T, M371T.
Identifiers: ClinVar variation 4759063 (VCV004759063.1).